The following is an entry in ClinVar:

NM_005045.4(RELN):c.1820A>G (p.Glu607Gly)

Gene: RELN (reelin; minus strand). Cytogenetic location: 7q22.1.
Variant type: single nucleotide variant.
Coding change: c.1820A>G on transcript NM_005045.4 (MANE Select); coding-DNA position 1820, A replaced by G.
Protein change: p.Glu607Gly; replaces glutamic acid 607 with glycine.
Molecular consequence: missense variant.
Genome position (GRCh38, 1-based): chr7:103,651,733, T>C on the plus strand (A>G on the coding strand, the complement: RELN is on the minus strand). VCF-style: chr7-103651733-T-C. GRCh37 (hg19) VCF-style: chr7-103292180-T-C.
Other names: c.1820A>G, p.Glu607Gly (NM_173054.3); short protein forms E607G.
Identifiers: ClinVar variation 475949 (VCV000475949.10), dbSNP rs1554397636, ClinGen allele CA368764396.
Genomic context (GRCh38, chr7:103,651,733, plus strand): 5'-TCAGAGGAGTAGACAGTGCTGTGGGGGAGGTGGGGTCCAGCACAGATCTCAGGTAAGCAT[T>C]CAGTGTGAAGGAGGGACCAGGAGCGCCCATGGTTGGTAGAAAATTCCAAGCTGACACTAA-3'
Protein context (NP_005036.2, residues 597-617): HGRSWSLLHT[Glu607Gly]CLPEICAGPH

ClinVar aggregate classification (germline): Uncertain significance. Review status: criteria provided, multiple submitters, no conflicts (2 of 4 stars). 3 submissions from 3 submitters: Uncertain significance (3). Last evaluated 2025-12-19.

Conditions:
Familial temporal lobe epilepsy 7. Identifiers: Orphanet 101046, MedGen C4225327, MONDO:0014639, OMIM 616436.
Norman-Roberts syndrome (LIS2). Also called: Lissencephaly 2 (Norman-Roberts type). Identifiers: Orphanet 89844, MedGen C0796089, MONDO:0009760, OMIM 257320.
RELN-related disorder. Also called: RELN-related condition.
Inborn genetic diseases. Identifiers: MedGen C0950123, MeSH D030342.

Allele frequency attached by ClinVar (database versions not stated): gnomAD 0.00001; TOPMed 0.00004.
gnomAD v4.1: 2 of 1,611,800 alleles (0.00012%); highest among the groups gnomAD compares: Admixed American, 0.0017%; no homozygotes.

Submissions (3):

Labcorp Genetics (formerly Invitae), Labcorp
Classification: Uncertain significance for Familial temporal lobe epilepsy 7; Norman-Roberts syndrome. Last evaluated: 2025-12-19. Review status: criteria provided, single submitter. Criteria: Invitae Variant Classification Sherloc (09022015). Collection method: clinical testing. Allele origin: germline.
Comment: This sequence change replaces glutamic acid, which is acidic and polar, with glycine, which is neutral and non-polar, at codon 607 of the RELN protein (p.Glu607Gly). This variant is not present in population databases (gnomAD no frequency). This variant has not been reported in the literature in individuals affected with RELN-related conditions. ClinVar contains an entry for this variant (Variation ID: 475949). Invitae Evidence Modeling of protein sequence and biophysical properties (such as structural, functional, and spatial information, amino acid conservation, physicochemical variation, residue mobility, and thermodynamic stability) indicates that this missense variant is not expected to disrupt RELN protein function with a negative predictive value of 80%. In summary, the available evidence is currently insufficient to determine the role of this variant in disease. Therefore, it has been classified as a Variant of Uncertain Significance.

PreventionGenetics, part of Exact Sciences
Classification: Uncertain significance for RELN-related condition. Last evaluated: 2025-10-01. Review status: criteria provided, single submitter. Criteria: ACMG Guidelines, 2015. Collection method: clinical testing. Allele origin: germline.
Comment: The RELN c.1820A>G variant is predicted to result in the amino acid substitution p.Glu607Gly. To our knowledge, this variant has not been reported in the literature or in a large population database (gnomAD), indicating this variant is rare. At this time, the clinical significance of this variant is uncertain due to the absence of conclusive functional and genetic evidence.

Ambry Genetics
Classification: Uncertain significance for Inborn genetic diseases. Last evaluated: 2024-03-28. Review status: criteria provided, single submitter. Criteria: Ambry Variant Classification Scheme 2023. Collection method: clinical testing. Allele origin: germline.